The following is an entry in ClinVar:

NM_001001957.2(OR2W3):c.425G>A (p.Arg142Gln)

Gene: OR2W3 (olfactory receptor family 2 subfamily W member 3; plus strand). Cytogenetic location: 1q44.
Variant type: single nucleotide variant.
Coding change: c.425G>A on transcript NM_001001957.2 (MANE Select); coding-DNA position 425, G replaced by A.
Protein change: p.Arg142Gln; replaces arginine 142 with glutamine.
Molecular consequence: missense variant.
Genome position (GRCh38, 1-based): chr1:247,896,011, G>A. VCF-style: chr1-247896011-G-A. GRCh37 (hg19) VCF-style: chr1-248059313-G-A.
Other names: short protein forms R142Q.
Identifiers: ClinVar variation 2049138 (VCV002049138.4), dbSNP rs147318633, ClinGen allele CA1498592.
Genomic context (GRCh38, chr1:247,896,011, plus strand): 5'-GGTGTGTGGCTATCTGCAAGCCCCTGCACTACATGGTGATCATGAACCCCAGGCTCTGCC[G>A]GGGCTTGGTGTCAGTGACCTGGGGCTGTGGGGTGGCCAACTCCTTGGCCATGTCTCCTGT-3'
Protein context (NP_001001957.2, residues 132-152): YMVIMNPRLC[Arg142Gln]GLVSVTWGCG

ClinVar aggregate classification (germline): Uncertain significance (1 of 4 stars; one submission).

Allele frequency attached by ClinVar (database versions not stated): ExAC 0.00007; gnomAD 0.00007; TOPMed 0.00009; ESP Exome Variant Server 0.00015; gnomAD exomes 0.00022; 1000 Genomes Project 0.00040; 1000 Genomes Project 30x 0.00047.

Submission:

Labcorp Genetics (formerly Invitae), Labcorp
Classification: Uncertain significance. Last evaluated: 2025-11-11. Review status: criteria provided, single submitter. Criteria: Invitae Variant Classification Sherloc (09022015). Collection method: clinical testing. Allele origin: germline.
Comment: This sequence change replaces arginine, which is basic and polar, with glutamine, which is neutral and polar, at codon 142 of the OR2W3 protein (p.Arg142Gln). This variant is present in population databases (rs147318633, gnomAD 0.02%). This variant has not been reported in the literature in individuals affected with OR2W3-related conditions. ClinVar contains an entry for this variant (Variation ID: 2049138). An algorithm developed to predict the effect of missense changes on protein structure and function (PolyPhen-2) suggests that this variant is likely to be tolerated. In summary, the available evidence is currently insufficient to determine the role of this variant in disease. Therefore, it has been classified as a Variant of Uncertain Significance.